The following is an entry in ClinVar:

NM_175737.4(KLB):c.3001G>A (p.Gly1001Ser)

Gene: KLB (klotho beta; plus strand). Cytogenetic location: 4p14.
Variant type: single nucleotide variant.
Coding change: c.3001G>A on transcript NM_175737.4 (MANE Select); coding-DNA position 3001, G replaced by A.
Protein change: p.Gly1001Ser; replaces glycine 1001 with serine.
Molecular consequence: missense variant.
Genome position (GRCh38, 1-based): chr4:39,448,552, G>A. VCF-style: chr4-39448552-G-A. GRCh37 (hg19) VCF-style: chr4-39450172-G-A.
Other names: short protein forms G1001S.
Identifiers: ClinVar variation 2754745 (VCV002754745.3), dbSNP rs2474967443, ClinGen allele CA356660493.
Genomic context (GRCh38, chr4:39,448,552, plus strand): 5'-GAAAATACAGAGTGCACTGTCTGCTTATTCCTTGTGCAGAAGAAACCACTGATATTCCTG[G>A]GTTGTTGCTTCTTCTCCACCCTGGTTCTACTCTTATCAATTGCCATTTTTCAAAGGCAGA-3'
Protein context (NP_783864.1, residues 991-1011): LVQKKPLIFL[Gly1001Ser]CCFFSTLVLL

ClinVar aggregate classification (germline): Uncertain significance (1 of 4 stars; one submission).

Allele frequency attached by ClinVar (database versions not stated): gnomAD exomes below 0.00001.
gnomAD v4.1: 2 of 1,614,174 alleles (0.00012%); highest among the groups gnomAD compares: Non-Finnish European, 0.00017%; no homozygotes.

Submission:

Labcorp Genetics (formerly Invitae), Labcorp
Classification: Uncertain significance. Last evaluated: 2023-05-31. Review status: criteria provided, single submitter. Criteria: Invitae Variant Classification Sherloc (09022015). Collection method: clinical testing. Allele origin: germline.
Comment: This sequence change replaces glycine, which is neutral and non-polar, with serine, which is neutral and polar, at codon 1001 of the KLB protein (p.Gly1001Ser). In summary, the available evidence is currently insufficient to determine the role of this variant in disease. Therefore, it has been classified as a Variant of Uncertain Significance. Advanced modeling of protein sequence and biophysical properties (such as structural, functional, and spatial information, amino acid conservation, physicochemical variation, residue mobility, and thermodynamic stability) performed at Invitae indicates that this missense variant is not expected to disrupt KLB protein function. This variant has not been reported in the literature in individuals affected with KLB-related conditions. This variant is not present in population databases (gnomAD no frequency).